The following is an entry in ClinVar:

NM_198252.3(GSN):c.597C>T (p.Asn199=)

Gene: GSN (gelsolin; plus strand). Cytogenetic location: 9q33.2.
Variant type: single nucleotide variant.
Coding change: c.597C>T on transcript NM_198252.3 (MANE Select); coding-DNA position 597, C replaced by T.
Protein change: p.Asn199=; no amino-acid change (asparagine 199 retained).
Molecular consequence: synonymous variant. On other transcripts: 5 prime UTR variant (1).
Genome position (GRCh38, 1-based): chr9:121,312,422, C>T. VCF-style: chr9-121312422-C-T. GRCh37 (hg19) VCF-style: chr9-124074700-C-T.
Other names: p.Asn250=; c.750C>T, p.Asn250= (NM_000177.5); c.597C>T, p.Asn199= (NM_001127662.2, NM_001127664.2, NM_001127665.2 and 10 more transcripts); c.705C>T, p.Asn235= (NM_001127663.2); c.630C>T, p.Asn210= (NM_001127666.2, NM_001127667.2, NM_001353063.2 and 13 more transcripts); c.648C>T, p.Asn216= (NM_001258029.2); c.621C>T, p.Asn207= (NM_001258030.2); c.669C>T, p.Asn223= (NM_001353076.2); and 1 more.
Identifiers: ClinVar variation 785295 (VCV000785295.17), dbSNP rs146329975, ClinGen allele CA5220941.

ClinVar aggregate classification (germline): Benign/Likely benign. Review status: criteria provided, multiple submitters, no conflicts (2 of 4 stars). 8 submissions from 8 submitters: Benign (1); Likely benign (3). 4 of the submissions do not count toward it. Last evaluated 2025-11-25.

Conditions:
Finnish type amyloidosis. Also called: AMYLOID CRANIAL NEUROPATHY WITH LATTICE CORNEAL DYSTROPHY; AMYLOIDOSIS DUE TO MUTANT GELSOLIN; Amyloidosis, familial, Finnish type; Meretoja type amyloidosis; Amyloidosis 5; AMYLOIDOSIS, HEREDITARY SYSTEMIC 4, FINNISH TYPE. Identifiers: Orphanet 85448, MedGen C1622345, MONDO:0007097, OMIM 105120.
GSN-related disorder. Also called: GSN-related condition.

Allele frequency attached by ClinVar (database versions not stated): gnomAD exomes 0.00026 and 0.00064; ExAC 0.00084; 1000 Genomes Project 0.00180; 1000 Genomes Project 30x 0.00187; ESP Exome Variant Server 0.00223; gnomAD 0.00234 and 0.00258; TOPMed 0.00264.
gnomAD v4.1: 736 of 1,614,134 alleles (0.046%); highest among the groups gnomAD compares: African/African-American, 0.81%; 4 homozygotes.

Submissions (8):

Labcorp Genetics (formerly Invitae), Labcorp
Classification: Benign. Last evaluated: 2025-11-25. Review status: criteria provided, single submitter. Criteria: Invitae Variant Classification Sherloc (09022015). Collection method: clinical testing. Allele origin: germline.

Mayo Clinic Laboratories, Mayo Clinic
Classification: Likely benign. Last evaluated: 2025-09-27. Review status: criteria provided, single submitter. Criteria: ACMG Guidelines, 2015. Collection method: clinical testing. Allele origin: germline. Observed: 2 variant alleles.
Comment: BP4, BP7

Blueprint Genetics
Classification: Likely benign. Last evaluated: 2024-11-12. Review status: criteria provided, single submitter. Criteria: ACMG Guidelines, 2015. Collection method: clinical testing. Allele origin: germline.

Fulgent Genetics
Classification: Likely benign for Finnish type amyloidosis. Last evaluated: 2021-08-02. Review status: criteria provided, single submitter. Criteria: ACMG Guidelines, 2015. Collection method: clinical testing. Allele origin: unknown.

PreventionGenetics, part of Exact Sciences
Classification: Benign for GSN-related condition. Last evaluated: 2019-08-09. Review status: no assertion criteria provided. Collection method: clinical testing. Allele origin: germline. Not counted in ClinVar's aggregate classification.
Comment: This variant is classified as benign based on ACMG/AMP sequence variant interpretation guidelines (Richards et al. 2015 PMID: 25741868, with internal and published modifications).

Clinical Genetics DNA and cytogenetics Diagnostics Lab, Erasmus MC, Erasmus Medical Center
Classification: Likely benign. Review status: no assertion criteria provided. Collection method: clinical testing. Allele origin: germline. Affected: yes. Study: VKGL Data-share Consensus. Not counted in ClinVar's aggregate classification.

Genome Diagnostics Laboratory, University Medical Center Utrecht
Classification: Likely benign. Review status: no assertion criteria provided. Collection method: clinical testing. Allele origin: germline. Affected: yes. Study: VKGL Data-share Consensus. Not counted in ClinVar's aggregate classification.

Laboratory of Diagnostic Genome Analysis, Leiden University Medical Center (LUMC)
Classification: Likely benign. Review status: no assertion criteria provided. Collection method: clinical testing. Allele origin: germline. Affected: yes. Study: VKGL Data-share Consensus. Not counted in ClinVar's aggregate classification.